The following is an entry in ClinVar:

NM_020738.4(KIDINS220):c.610A>G (p.Met204Val)

Gene: KIDINS220 (kinase D interacting substrate 220; minus strand). Cytogenetic location: 2p25.1.
Variant type: single nucleotide variant.
Coding change: c.610A>G on transcript NM_020738.4 (MANE Select); coding-DNA position 610, A replaced by G.
Protein change: p.Met204Val; replaces methionine 204 with valine.
Molecular consequence: missense variant. On other transcripts: non-coding transcript variant (2).
Genome position (GRCh38, 1-based): chr2:8,803,121, T>C on the plus strand (A>G on the coding strand, the complement: KIDINS220 is on the minus strand). VCF-style: chr2-8803121-T-C. GRCh37 (hg19) VCF-style: chr2-8943251-T-C.
Other names: c.613A>G, p.Met205Val (NM_001348729.2, NM_001348731.2, NM_001348734.2 and 3 more transcripts); c.610A>G, p.Met204Val (NM_001348732.2, NM_001348735.2, NM_001348738.2 and 3 more transcripts); c.484A>G, p.Met162Val (NM_001348736.2); short protein forms M162V, M204V, M205V.
Identifiers: ClinVar variation 3337216 (VCV003337216.3).

ClinVar aggregate classification (germline): Uncertain significance. Review status: criteria provided, multiple submitters, no conflicts (2 of 4 stars). 2 submissions from 2 submitters: Uncertain significance (2). Last evaluated 2024-06-09.

gnomAD v4.1: 2 of 1,606,236 alleles (0.00012%); highest among the groups gnomAD compares: Non-Finnish European, 0.00017%; no homozygotes.

Submissions (2):

Labcorp Genetics (formerly Invitae), Labcorp
Classification: Uncertain significance. Last evaluated: 2024-06-09. Review status: criteria provided, single submitter. Criteria: Invitae Variant Classification Sherloc (09022015). Collection method: clinical testing. Allele origin: germline.
Comment: This sequence change replaces methionine, which is neutral and non-polar, with valine, which is neutral and non-polar, at codon 204 of the KIDINS220 protein (p.Met204Val). This variant is not present in population databases (gnomAD no frequency). This variant has not been reported in the literature in individuals affected with KIDINS220-related conditions. An algorithm developed to predict the effect of missense changes on protein structure and function (PolyPhen-2) suggests that this variant is likely to be tolerated. In summary, the available evidence is currently insufficient to determine the role of this variant in disease. Therefore, it has been classified as a Variant of Uncertain Significance.

Clinical Genetics Laboratory, Skane University Hospital Lund
Classification: Uncertain significance. Last evaluated: 2023-07-21. Review status: criteria provided, single submitter. Criteria: ACMG Guidelines, 2015. Collection method: clinical testing. Allele origin: germline. Affected: yes.